The following is an entry in ClinVar:

NM_001393504.1(MAST3):c.1791C>T (p.Val597=)

Gene: MAST3 (microtubule associated serine/threonine kinase 3; plus strand). Cytogenetic location: 19p13.11.
Variant type: single nucleotide variant.
Coding change: c.1791C>T on transcript NM_001393504.1 (MANE Select); coding-DNA position 1791, C replaced by T.
Protein change: p.Val597=; no amino-acid change (valine 597 retained).
Molecular consequence: synonymous variant.
Genome position (GRCh38, 1-based): chr19:18,134,903, C>T. VCF-style: chr19-18134903-C-T. GRCh37 (hg19) VCF-style: chr19-18245713-C-T.
Other names: c.1815C>T, p.Val605= (NM_001393501.1); c.1794C>T, p.Val598= (NM_001393502.1); c.1791C>T, p.Val597= (NM_001393503.1); c.1788C>T, p.Val596= (NM_001393505.1); c.1743C>T, p.Val581= (NM_001393506.1, NM_001393513.1); c.1770C>T, p.Val590= (NM_001393507.1); c.1725C>T, p.Val575= (NM_001393508.1, NM_001393516.1); c.1722C>T, p.Val574= (NM_001393509.1, NM_001393510.1, NM_001393512.1 and 2 more transcripts); and 4 more.
Identifiers: ClinVar variation 4823585 (VCV004823585.4).

ClinVar aggregate classification (germline): Likely benign (1 of 4 stars; one submission).

gnomAD v4.1: 9 of 1,614,014 alleles (0.00056%); highest among the groups gnomAD compares: African/African-American, 0.004%; no homozygotes.

Submission:

CeGaT Center for Human Genetics Tuebingen
Classification: Likely benign. Last evaluated: 2026-03-01. Review status: criteria provided, single submitter. Criteria: CeGaT Center For Human Genetics Tuebingen Variant Classification Criteria Version 2. Collection method: clinical testing. Allele origin: germline. Affected: yes. Observed: 1 variant allele.
Comment: MAST3: BP4, BP7